The following is an entry in ClinVar:

ClinVar aggregate classification (germline): Uncertain significance (1 of 4 stars; one submission).

Conditions:
DYNC1H1-related disorder. Also called: DYNC1H1-related disorders; DYNC1H1-related condition. Identifiers: MedGen CN381529.

Submission:

PreventionGenetics, part of Exact Sciences
Classification: Uncertain significance for DYNC1H1-related condition. Last evaluated: 2025-09-27. Review status: criteria provided, single submitter. Criteria: ACMG Guidelines, 2015. Collection method: clinical testing. Allele origin: germline.
Comment: The DYNC1H1 c.11951G>A variant is predicted to result in the amino acid substitution p.Gly3984Asp. To our knowledge, this variant has not been reported in the literature or in a large population database (gnomAD), indicating this variant is rare. At this time, the clinical significance of this variant is uncertain due to the absence of conclusive functional and genetic evidence.

NM_001376.5(DYNC1H1):c.11951G>A (p.Gly3984Asp)

Gene: DYNC1H1 (dynein cytoplasmic 1 heavy chain 1; plus strand). Cytogenetic location: 14q32.31.
Variant type: single nucleotide variant.
Coding change: c.11951G>A on transcript NM_001376.5 (MANE Select); coding-DNA position 11951, G replaced by A.
Protein change: p.Gly3984Asp; replaces glycine 3984 with aspartic acid.
Molecular consequence: missense variant.
Genome position (GRCh38, 1-based): chr14:102,041,583, G>A. VCF-style: chr14-102041583-G-A. GRCh37 (hg19) VCF-style: chr14-102507920-G-A.
Other names: short protein forms G3984D.
Identifiers: ClinVar variation 4994552 (VCV004994552.1).